The following is an entry in ClinVar:

ClinVar aggregate classification (germline): Uncertain significance (1 of 4 stars; one submission).

Conditions:
Autosomal dominant familial hematuria-retinal arteriolar tortuosity-contractures syndrome. Also called: Angiopathy, hereditary, with nephropathy, aneurysms, and muscle cramps; Hereditary Angiopathy with Nephropathy, Aneurysms, and Muscle Cramps (HANAC) Syndrome. Identifiers: Orphanet 73229, MedGen C2673195, MONDO:0012726, OMIM 611773.
Microangiopathy and leukoencephalopathy, pontine, autosomal dominant. Also called: Pontine autosomal dominant microangiopathy with leukoencephalopathy; DEMENTIA, HEREDITARY MULTI-INFARCT, SWEDISH TYPE. Identifiers: Orphanet 477749, MedGen C5231411, MONDO:0032814, OMIM 618564.
Brain small vessel disease 1 with or without ocular anomalies (BSVD1). Also called: BRAIN SMALL VESSEL DISEASE WITH HEMORRHAGE; GOULD SYNDROME 1; PORENCEPHALY, TYPE 1, AUTOSOMAL DOMINANT; Brain small vessel disease with or without ocular anomalies. Identifiers: Orphanet 2940, Orphanet 36383, Orphanet 99810, MedGen C4755307, MONDO:0008289, OMIM 175780.
Hemorrhage, intracerebral, susceptibility to (ICH). Also called: Stroke, hemorrhagic, susceptibility to. Identifiers: MedGen C3281105, MONDO:0100533, OMIM 614519.
Retinal arterial tortuosity. Also called: Retinal arteries, tortuosity of; RETINAL HEMORRHAGE WITH VASCULAR TORTUOSITY. Identifiers: Orphanet 75326, MedGen C0423401, MONDO:0008373, OMIM 180000, HP:0000631.

gnomAD v4.1: 1 of 1,613,518 alleles (0.000062%); highest among the groups gnomAD compares: Non-Finnish European, 0.000085%; no homozygotes.

Submission:

Juno Genomics, Hangzhou Juno Genomics, Inc
Classification: Uncertain significance for Retinal arterial tortuosity; Hemorrhage, intracerebral, susceptibility to; Autosomal dominant familial hematuria-retinal arteriolar tortuosity-contractures syndrome; Brain small vessel disease 1 with or without ocular anomalies; Microangiopathy and leukoencephalopathy, pontine, autosomal dominant. Review status: criteria provided, single submitter. Criteria: ACMG Guidelines, 2015. Collection method: clinical testing. Allele origin: germline.
Comment: Absent from controls (or at extremely low frequency if recessive) in Genome Aggregation Database.;Multiple lines of computational evidence support a deleterious effect on the gene or gene product.

NM_001845.6(COL4A1):c.2344+37A>T

Gene: COL4A1 (collagen type IV alpha 1 chain; minus strand). Cytogenetic location: 13q34.
Variant type: single nucleotide variant.
Coding change: c.2344+37A>T on transcript NM_001845.6 (MANE Select); 37 bases into the intron after coding-DNA position 2344, A replaced by T.
Molecular consequence: intron variant.
Genome position (GRCh38, 1-based): chr13:110,179,234, T>A on the plus strand (A>T on the coding strand, the complement: COL4A1 is on the minus strand). VCF-style: chr13-110179234-T-A. GRCh37 (hg19) VCF-style: chr13-110831581-T-A.
Identifiers: ClinVar variation 5019771 (VCV005019771.2).